The following is an entry in ClinVar:

ClinVar aggregate classification (germline): Uncertain significance (1 of 4 stars; one submission).

Conditions:
Primary ciliary dyskinesia 19. Also called: CILIARY DYSKINESIA, PRIMARY, 19, WITH OR WITHOUT SITUS INVERSUS. Identifiers: Orphanet 244, MedGen C3543826, MONDO:0013979, OMIM 614935.

Allele frequency attached by ClinVar (database versions not stated): gnomAD exomes 0.00001; ExAC 0.00002.
gnomAD v4.1: 4 of 1,613,968 alleles (0.00025%); highest among the groups gnomAD compares: African/African-American, 0.0013%; no homozygotes.

Submission:

Labcorp Genetics (formerly Invitae), Labcorp
Classification: Uncertain significance for Primary ciliary dyskinesia 19. Last evaluated: 2019-10-24. Review status: criteria provided, single submitter. Criteria: Invitae Variant Classification Sherloc (09022015). Collection method: clinical testing. Allele origin: germline.
Comment: In summary, the available evidence is currently insufficient to determine the role of this variant in disease. Therefore, it has been classified as a Variant of Uncertain Significance. Algorithms developed to predict the effect of missense changes on protein structure and function output the following: SIFT: "Tolerated"; PolyPhen-2: "Benign"; Align-GVGD: "Class C0". The glutamic acid amino acid residue is found in multiple mammalian species, suggesting that this missense change does not adversely affect protein function. These predictions have not been confirmed by published functional studies and their clinical significance is uncertain. This variant has not been reported in the literature in individuals with LRRC6-related conditions. This variant is present in population databases (rs779471179, ExAC 0.003%). This sequence change replaces lysine with glutamic acid at codon 396 of the LRRC6 protein (p.Lys396Glu). The lysine residue is moderately conserved and there is a small physicochemical difference between lysine and glutamic acid.

NM_012472.6(DNAAF11):c.1186A>G (p.Lys396Glu)

Gene: DNAAF11 (dynein axonemal assembly factor 11; minus strand). Cytogenetic location: 8q24.22.
Variant type: single nucleotide variant.
Coding change: c.1186A>G on transcript NM_012472.6 (MANE Select); coding-DNA position 1186, A replaced by G.
Protein change: p.Lys396Glu; replaces lysine 396 with glutamic acid.
Molecular consequence: missense variant. On other transcripts: non-coding transcript variant (10).
Genome position (GRCh38, 1-based): chr8:132,583,734, T>C on the plus strand (A>G on the coding strand, the complement: DNAAF11 is on the minus strand). VCF-style: chr8-132583734-T-C. GRCh37 (hg19) VCF-style: chr8-133595981-T-C.
Other names: c.1126A>G, p.Lys376Glu (NM_001321961.2); c.940A>G, p.Lys314Glu (NM_001321962.2); c.826A>G, p.Lys276Glu (NM_001321963.2, NM_001321964.2, NM_001321965.2); c.766A>G, p.Lys256Glu (NM_001321966.2); short protein forms K276E, K376E, K314E, K396E, K256E.
Identifiers: ClinVar variation 972364 (VCV000972364.9), dbSNP rs779471179, ClinGen allele CA4881129.
Genomic context (GRCh38, chr8:132,583,734, plus strand): 5'-ACAGTCTGGGAGGGTGGTACCTTGTATTTGTTTGTTCTCTGCTCCTGTCCGAGGTAGTTT[T>C]CATAGATTTGAATGCTCGCTGACCACCTGTGATTACTTCTCCTACCTAAAATAAAAATGA-3'
Protein context (NP_036604.2, residues 386-406): TGGQRAFKSM[Lys396Glu]TTSDRSREQT